The following is an entry in ClinVar:

ClinVar aggregate classification (germline): Pathogenic. Review status: criteria provided, multiple submitters, no conflicts (2 of 4 stars). 5 submissions from 5 submitters: Pathogenic (5). Last evaluated 2026-08-18.

Conditions:
Autosomal dominant ichthyosis vulgaris. Identifiers: MedGen C0432300, MONDO:0007810.
Ichthyosis vulgaris. Also called: Dominant ichthyosis vulgaris; ICHTHYOSIS SIMPLEX. Identifiers: MedGen C0079584, MONDO:0024304, OMIM 146700.

Submissions (5):

GeneDx
Classification: Pathogenic. Last evaluated: 2026-08-18. Review status: criteria provided, single submitter. Criteria: GeneDx Variant Classification Process June 2021. Collection method: clinical testing. Allele origin: germline.
Comment: Frameshift variant predicted to result in abnormal protein length as the last 3070 amino acids are replaced with 30 different amino acids, and other similar variants have been reported in HGMD; This variant is associated with the following publications: (PMID: 34426522, 37067103, 19183181, 32018027, RajuSP2025[review], ZhuX2026[casereport])

CeGaT Center for Human Genetics Tuebingen
Classification: Pathogenic. Last evaluated: 2024-06-01. Review status: criteria provided, single submitter. Criteria: CeGaT Center For Human Genetics Tuebingen Variant Classification Criteria Version 2. Collection method: clinical testing. Allele origin: germline. Affected: yes. Observed: 2 variant alleles.
Comment: FLG: PM3:Very Strong, PVS1:Strong, PM2:Supporting

Genome-Nilou Lab
Classification: Pathogenic for Ichthyosis vulgaris. Last evaluated: 2023-04-11. Review status: criteria provided, single submitter. Criteria: ACMG Guidelines, 2015. Collection method: clinical testing. Allele origin: germline. Affected: no.

Mendelics
Classification: Pathogenic for Ichthyosis vulgaris. Last evaluated: 2022-05-04. Review status: criteria provided, single submitter. Criteria: Mendelics Assertion Criteria 2019. Collection method: clinical testing. Allele origin: germline.

Victorian Clinical Genetics Services, Murdoch Childrens Research Institute
Classification: Pathogenic for Autosomal dominant ichthyosis vulgaris. Last evaluated: 2020-05-21. Review status: criteria provided, single submitter. Criteria: ACMG Guidelines, 2015. Collection method: clinical testing. Allele origin: germline. Inheritance: Autosomal dominant inheritance.
Comment: Based on the classification scheme VCGS_Germline_v1.1.1, this variant is classified as Pathogenic. Following criteria are met: 0102 - Loss-of-function is a known mechanism of disease for this gene. (N) 0107 - This gene is known to be associated with autosomal dominant disease. (N) 0112 - Variants in this gene are known to have reduced penetrance (OMIM). (N) 0204 - Variant is predicted to result in a truncated protein with more than 1/3 of the protein affected (exon 3 of 3). (P) 0251 - Variant is heterozygous. (N) 0310 - Variant is present in gnomAD >=0.001 and <0.01 for a dominant condition (47 heterozygotes, 0 homozygotes). (N) 0600 - Variant results in the loss of multiple downstream annotated filaggrin domains (NCBI conserved domains). (N) 0701 - Comparable variants have very strong previous evidence for pathogenicity. Other downstream truncating variants have been reported in ClinVar as pathogenic. (P) 0803 - Low previous evidence of pathogenicity in unrelated individuals. This variant has been previously seen in a patient with ichthyosis vulgaris along with another truncating variant in this gene (PMID: 19183181). (N) Legend: (P) - Pathogenic, (N) - Neutral, (B) - Benign

Literature cited by the submitters: PubMed 19183181 (cited by Victorian Clinical Genetics Services, Murdoch Childrens Research Institute).

NM_002016.2(FLG):c.2976_2977del (p.Arg992fs)

Genes: CCDST (cervical cancer associated DHX9 suppressive transcript; plus strand), FLG (filaggrin; minus strand). Cytogenetic location: 1q21.3.
Variant type: Microsatellite.
Coding change: c.2976_2977del on transcript NM_002016.2 (MANE Select); coding-DNA positions 2976 to 2977, 2 bases deleted (AG; older notation c.2976_2977delAG).
Protein change: p.Arg992fs; shifts the reading frame from arginine 992.
Molecular consequence: frameshift variant.
Genome position (GRCh38, 1-based): chr1:152,311,909-152,311,910, CT deleted on the plus strand (AG on the coding strand, the reverse complement: FLG is on the minus strand); deleting any 2 consecutive bases within chr1:152,311,909-152,311,912 gives the same sequence; the c. name uses the placement nearest the transcript's 3' end. VCF-style (leftmost placement, unchanged base first): chr1-152311908-GCT-G. GRCh37 (hg19) VCF-style: chr1-152284384-GCT-G.
Other names: c.2976_2977del (NM_002016.1); short protein forms R992fs.
Identifiers: ClinVar variation 1685822 (VCV001685822.24), dbSNP rs776968118, ClinGen allele CA1106890.
Genomic context (GRCh38, chr1:152,311,908, plus strand): 5'-GAAGTCTCTGCGTGAGGAGTTCCTGATTGTCTGGAGCTGTCTGCAGAGTGCCCGTGACCG[GCT>G]CTGTCTTCGTGATGGGACCTGGGGTGTCTGGAGCCATGTCTTGACTGCTCCTGAGCAGAT-3'